The following is an entry in ClinVar:

NM_014423.4(AFF4):c.1375A>C (p.Ser459Arg)

Gene: AFF4 (ALF transcription elongation factor 4; minus strand). Cytogenetic location: 5q31.1.
Variant type: single nucleotide variant.
Coding change: c.1375A>C on transcript NM_014423.4 (MANE Select); coding-DNA position 1375, A replaced by C.
Protein change: p.Ser459Arg; replaces serine 459 with arginine.
Molecular consequence: missense variant.
Genome position (GRCh38, 1-based): chr5:132,898,244, T>G on the plus strand (A>C on the coding strand, the complement: AFF4 is on the minus strand). VCF-style: chr5-132898244-T-G. GRCh37 (hg19) VCF-style: chr5-132233936-T-G.
Other names: short protein forms S459R.
Identifiers: ClinVar variation 3358397 (VCV003358397.4).

ClinVar aggregate classification (germline): Uncertain significance. Review status: criteria provided, multiple submitters, no conflicts (2 of 4 stars). 3 submissions from 3 submitters: Uncertain significance (2). 1 of the submissions does not count toward it. Last evaluated 2024-10-23.

Conditions:
Cognitive impairment - coarse facies - heart defects - obesity - pulmonary involvement - short stature - skeletal dysplasia syndrome. Also called: AFF4-Related CHOPS Syndrome; COGNITIVE IMPAIRMENT, COARSE FACIES, HEART DEFECTS, OBESITY, PULMONARY INVOLVEMENT, SHORT STATURE, AND SKELETAL DYSPLASIA; Chops syndrome. Identifiers: Orphanet 444077, MedGen C4085597, MONDO:0014609, OMIM 616368.
AFF4-related disorder. Also called: AFF4-related condition.
Inborn genetic diseases. Identifiers: MedGen C0950123, MeSH D030342.

gnomAD v4.1: 11 of 1,614,084 alleles (0.00068%); highest among the groups gnomAD compares: Non-Finnish European, 0.00059%; no homozygotes.

Submissions (3):

Ambry Genetics
Classification: Uncertain significance for Inborn genetic diseases. Last evaluated: 2024-10-23. Review status: criteria provided, single submitter. Criteria: Ambry Variant Classification Scheme 2023. Collection method: clinical testing. Allele origin: germline.

Labcorp Genetics (formerly Invitae), Labcorp
Classification: Uncertain significance for Cognitive impairment - coarse facies - heart defects - obesity - pulmonary involvement - short stature - skeletal dysplasia syndrome. Last evaluated: 2024-06-04. Review status: criteria provided, single submitter. Criteria: Invitae Variant Classification Sherloc (09022015). Collection method: clinical testing. Allele origin: germline.
Comment: This sequence change replaces serine, which is neutral and polar, with arginine, which is basic and polar, at codon 459 of the AFF4 protein (p.Ser459Arg). This variant is present in population databases (rs774751013, gnomAD 0.002%). This variant has not been reported in the literature in individuals affected with AFF4-related conditions. Advanced modeling of protein sequence and biophysical properties (such as structural, functional, and spatial information, amino acid conservation, physicochemical variation, residue mobility, and thermodynamic stability) performed at Invitae indicates that this missense variant is not expected to disrupt AFF4 protein function with a negative predictive value of 80%. In summary, the available evidence is currently insufficient to determine the role of this variant in disease. Therefore, it has been classified as a Variant of Uncertain Significance.

PreventionGenetics, part of Exact Sciences
Classification: Uncertain significance for AFF4-related condition. Last evaluated: 2024-05-08. Review status: no assertion criteria provided. Collection method: clinical testing. Allele origin: germline. Not counted in ClinVar's aggregate classification.
Comment: The AFF4 c.1375A>C variant is predicted to result in the amino acid substitution p.Ser459Arg. To our knowledge, this variant has not been reported in the literature. This variant is reported in 0.0015% of alleles in individuals of European (Non-Finnish) descent in gnomAD. At this time, the clinical significance of this variant is uncertain due to the absence of conclusive functional and genetic evidence.